The following is an entry in ClinVar:

ClinVar aggregate classification (germline): Uncertain significance (1 of 4 stars; one submission).

Allele frequency attached by ClinVar (database versions not stated): gnomAD exomes below 0.00001; gnomAD 0.00001.
gnomAD v4.1: 5 of 1,613,986 alleles (0.00031%); highest among the groups gnomAD compares: African/African-American, 0.004%; no homozygotes.

Submission:

CeGaT Center for Human Genetics Tuebingen
Classification: Uncertain significance. Last evaluated: 2022-03-01. Review status: criteria provided, single submitter. Criteria: CeGaT Center For Human Genetics Tuebingen Variant Classification Criteria Version 2. Collection method: clinical testing. Allele origin: germline. Affected: yes. Observed: 1 variant allele.
Comment: DNAH2: PP3

NM_020877.5(DNAH2):c.13166G>C (p.Arg4389Pro)

Gene: DNAH2 (dynein axonemal heavy chain 2; plus strand). Cytogenetic location: 17p13.1.
Variant type: single nucleotide variant.
Coding change: c.13166G>C on transcript NM_020877.5 (MANE Select); coding-DNA position 13166, G replaced by C.
Protein change: p.Arg4389Pro; replaces arginine 4389 with proline.
Molecular consequence: missense variant.
Genome position (GRCh38, 1-based): chr17:7,833,415, G>C. VCF-style: chr17-7833415-G-C. GRCh37 (hg19) VCF-style: chr17-7736733-G-C.
Other names: short protein forms R4389P.
Identifiers: ClinVar variation 1675657 (VCV001675657.33), dbSNP rs1463672008, ClinGen allele CA397906135.